The following is an entry in ClinVar:

NM_001113378.2(FANCI):c.1032C>G (p.Leu344=)

Gene: FANCI (FA complementation group I; plus strand). Cytogenetic location: 15q26.1.
Variant type: single nucleotide variant.
Coding change: c.1032C>G on transcript NM_001113378.2 (MANE Select); coding-DNA position 1032, C replaced by G.
Protein change: p.Leu344=; no amino-acid change (leucine 344 retained).
Molecular consequence: synonymous variant.
Genome position (GRCh38, 1-based): chr15:89,274,224, C>G. VCF-style: chr15-89274224-C-G. GRCh37 (hg19) VCF-style: chr15-89817455-C-G.
Other names: c.753C>G, p.Leu251= (NM_001376910.1); c.1032C>G, p.Leu344= (NM_001376911.1, NM_018193.3).
Identifiers: ClinVar variation 3771592 (VCV003771592.13).

ClinVar aggregate classification (germline): Likely benign (1 of 4 stars; one submission).

Submission:

CeGaT Center for Human Genetics Tuebingen
Classification: Likely benign. Last evaluated: 2024-12-01. Review status: criteria provided, single submitter. Criteria: CeGaT Center For Human Genetics Tuebingen Variant Classification Criteria Version 2. Collection method: clinical testing. Allele origin: germline. Affected: yes. Observed: 1 variant allele.
Comment: FANCI: PM2:Supporting, BP4, BP7